The following is an entry in ClinVar:

NM_018368.4(LMBRD1):c.5C>G (p.Ala2Gly)

Gene: LMBRD1 (LMBR1 domain containing 1; minus strand). Cytogenetic location: 6q13.
Variant type: single nucleotide variant.
Coding change: c.5C>G on transcript NM_018368.4 (MANE Select); coding-DNA position 5, C replaced by G.
Protein change: p.Ala2Gly; replaces alanine 2 with glycine.
Molecular consequence: missense variant.
Genome position (GRCh38, 1-based): chr6:69,796,877, G>C on the plus strand (C>G on the coding strand, the complement: LMBRD1 is on the minus strand). VCF-style: chr6-69796877-G-C. GRCh37 (hg19) VCF-style: chr6-70506769-G-C.
Other names: short protein forms A2G.
Identifiers: ClinVar variation 2144317 (VCV002144317.4), dbSNP rs554992244, ClinGen allele CA3880054.

ClinVar aggregate classification (germline): Uncertain significance (1 of 4 stars; one submission).

Conditions:
Methylmalonic aciduria and homocystinuria type cblF. Also called: COBALAMIN, DEFECT IN LYSOSOMAL RELEASE OF; METHYLMALONIC ACIDEMIA AND HOMOCYSTINURIA, cblF TYPE; METHYLMALONIC ACIDURIA DUE TO VITAMIN B12-RELEASE DEFECT; VITAMIN B12 LYSOSOMAL RELEASE DEFECT; VITAMIN B12 STORAGE DISEASE; COBALAMIN F DISEASE. Identifiers: Orphanet 79284, MedGen C1848578, MONDO:0010183, OMIM 277380.

Allele frequency attached by ClinVar (database versions not stated): TOPMed 0.00002; gnomAD 0.00004; 1000 Genomes Project 30x 0.00016; 1000 Genomes Project 0.00020.
gnomAD v4.1: 53 of 1,613,534 alleles (0.0033%); highest among the groups gnomAD compares: Non-Finnish European, 0.0042%; no homozygotes.

Submission:

Labcorp Genetics (formerly Invitae), Labcorp
Classification: Uncertain significance for Methylmalonic aciduria and homocystinuria type cblF. Last evaluated: 2024-11-11. Review status: criteria provided, single submitter. Criteria: Invitae Variant Classification Sherloc (09022015). Collection method: clinical testing. Allele origin: germline.
Comment: This sequence change replaces alanine, which is neutral and non-polar, with glycine, which is neutral and non-polar, at codon 2 of the LMBRD1 protein (p.Ala2Gly). This variant is present in population databases (rs554992244, gnomAD 0.005%). This variant has not been reported in the literature in individuals affected with LMBRD1-related conditions. ClinVar contains an entry for this variant (Variation ID: 2144317). An algorithm developed to predict the effect of missense changes on protein structure and function (PolyPhen-2) suggests that this variant is likely to be disruptive. In summary, the available evidence is currently insufficient to determine the role of this variant in disease. Therefore, it has been classified as a Variant of Uncertain Significance.